The following is an entry in ClinVar:

ClinVar aggregate classification (germline): Pathogenic (1 of 4 stars; one submission).

Conditions:
Retinitis pigmentosa 25 (RP25). Identifiers: Orphanet 791, MedGen C1864446, MONDO:0011272, OMIM 602772.

Submission:

Myriad Genetics, Inc.
Classification: Pathogenic for Retinitis pigmentosa 25. Last evaluated: 2026-01-18. Review status: criteria provided, single submitter. Criteria: Myriad Autosomal Dominant, Autosomal Recessive and X-Linked Classification Criteria (2023). Collection method: clinical testing. Allele origin: unknown.
Comment: NM_001142800.1(EYS):c.2434G>T(E812*) is expected to be pathogenic in the context of retinitis pigmentosa, EYS-related. This variant is predicted to lead to an abnormal or absent protein product due to the creation of a premature termination codon in EYS, a gene where loss-of-function variants are known to be pathogenic. Please note: this variant was assessed in the context of healthy population screening.

NM_001142800.2(EYS):c.2434G>T (p.Glu812Ter)

Gene: EYS (EGF-like photoreceptor maintenance factor; minus strand). Cytogenetic location: 6q12.
Variant type: single nucleotide variant.
Coding change: c.2434G>T on transcript NM_001142800.2 (MANE Select); coding-DNA position 2434, G replaced by T.
Protein change: p.Glu812Ter; replaces glutamic acid 812 with a stop codon.
Molecular consequence: nonsense.
Genome position (GRCh38, 1-based): chr6:64,912,691, C>A on the plus strand (G>T on the coding strand, the complement: EYS is on the minus strand). VCF-style: chr6-64912691-C-A. GRCh37 (hg19) VCF-style: chr6-65622584-C-A.
Other names: c.2434G>T, p.Glu812Ter (NM_001292009.2); short protein forms E812*.
Identifiers: ClinVar variation 5015435 (VCV005015435.1).